The following is an entry in ClinVar:

ClinVar aggregate classification (germline): Uncertain significance (1 of 4 stars; one submission).

Submission:

GeneDx
Classification: Uncertain significance. Last evaluated: 2020-10-15. Review status: criteria provided, single submitter. Criteria: GeneDx Variant Classification Process June 2021. Collection method: clinical testing. Allele origin: germline. Affected: yes.
Comment: Not observed in large population cohorts (Lek et al., 2016); In silico analysis supports that this missense variant has a deleterious effect on protein structure/function; Has not been previously published as pathogenic or benign to our knowledge

NM_004092.4(ECHS1):c.859T>C (p.Phe287Leu)

Gene: ECHS1 (enoyl-CoA hydratase, short chain 1; minus strand). Cytogenetic location: 10q26.3.
Variant type: single nucleotide variant.
Coding change: c.859T>C on transcript NM_004092.4 (MANE Select); coding-DNA position 859, T replaced by C.
Protein change: p.Phe287Leu; replaces phenylalanine 287 with leucine.
Molecular consequence: missense variant.
Genome position (GRCh38, 1-based): chr10:133,362,882, A>G on the plus strand (T>C on the coding strand, the complement: ECHS1 is on the minus strand). VCF-style: chr10-133362882-A-G. GRCh37 (hg19) VCF-style: chr10-135176386-A-G.
Other names: short protein forms F287L.
Identifiers: ClinVar variation 1313471 (VCV001313471.2), dbSNP rs2133437255, ClinGen allele CA378816917.